The following is an entry in ClinVar:

ClinVar aggregate classification (germline): Uncertain significance (1 of 4 stars; one submission).

Conditions:
KMT2C-related disorder. Also called: KMT2C-related condition; KMT2C-related disorders.

gnomAD v4.1: 4 of 1,613,952 alleles (0.00025%); highest among the groups gnomAD compares: African/African-American, 0.0027%; no homozygotes.

Submission:

PreventionGenetics, part of Exact Sciences
Classification: Uncertain significance for KMT2C-related condition. Last evaluated: 2025-01-17. Review status: criteria provided, single submitter. Criteria: ACMG Guidelines, 2015. Collection method: clinical testing. Allele origin: germline.
Comment: The KMT2C c.6086C>T variant is predicted to result in the amino acid substitution p.Pro2029Leu. To our knowledge, this variant has not been reported in the literature. This variant is reported in 0.0040% of alleles in individuals of African descent in gnomAD. At this time, the clinical significance of this variant is uncertain due to the absence of conclusive functional and genetic evidence.

NM_170606.3(KMT2C):c.6086C>T (p.Pro2029Leu)

Gene: KMT2C (lysine methyltransferase 2C; minus strand). Cytogenetic location: 7q36.1.
Variant type: single nucleotide variant.
Coding change: c.6086C>T on transcript NM_170606.3 (MANE Select); coding-DNA position 6086, C replaced by T.
Protein change: p.Pro2029Leu; replaces proline 2029 with leucine.
Molecular consequence: missense variant.
Genome position (GRCh38, 1-based): chr7:152,181,774, G>A on the plus strand (C>T on the coding strand, the complement: KMT2C is on the minus strand). VCF-style: chr7-152181774-G-A. GRCh37 (hg19) VCF-style: chr7-151878859-G-A.
Other names: short protein forms P2029L.
Identifiers: ClinVar variation 5002126 (VCV005002126.1).